The following is an entry in ClinVar:

ClinVar aggregate classification (germline): Conflicting classifications of pathogenicity. Review status: criteria provided, conflicting classifications (1 of 4 stars). 4 submissions from 4 submitters: Uncertain significance (1); Likely benign (2). 1 of the submissions does not count toward it. Last evaluated 2025-09-14.

Conditions:
LMX1B-related disorder. Also called: LMX1B-related condition.

Allele frequency attached by ClinVar (database versions not stated): TOPMed 0.00004; gnomAD 0.00009; gnomAD exomes 0.00011; ExAC 0.00028; 1000 Genomes Project 30x 0.00094; 1000 Genomes Project 0.00120.
gnomAD v4.1: 178 of 1,613,980 alleles (0.011%); highest among the groups gnomAD compares: South Asian, 0.19%; no homozygotes.

Submissions (4):

Labcorp Genetics (formerly Invitae), Labcorp
Classification: Likely benign. Last evaluated: 2025-09-14. Review status: criteria provided, single submitter. Criteria: Invitae Variant Classification Sherloc (09022015). Collection method: clinical testing. Allele origin: germline.

Blueprint Genetics
Classification: Likely benign. Last evaluated: 2024-10-28. Review status: criteria provided, single submitter. Criteria: ACMG Guidelines, 2015. Collection method: clinical testing. Allele origin: germline.

Mayo Clinic Laboratories, Mayo Clinic
Classification: Uncertain significance. Last evaluated: 2023-12-14. Review status: criteria provided, single submitter. Criteria: ACMG Guidelines, 2015. Collection method: clinical testing. Allele origin: germline. Observed: 1 variant allele.
Comment: BS1, PP3

PreventionGenetics, part of Exact Sciences
Classification: Likely benign for LMX1B-related condition. Last evaluated: 2023-04-24. Review status: no assertion criteria provided. Collection method: clinical testing. Allele origin: germline. Not counted in ClinVar's aggregate classification.
Comment: This variant is classified as likely benign based on ACMG/AMP sequence variant interpretation guidelines (Richards et al. 2015 PMID: 25741868, with internal and published modifications).

NM_001174147.2(LMX1B):c.392C>T (p.Ala131Val)

Gene: LMX1B (LIM homeobox transcription factor 1 beta; plus strand). Cytogenetic location: 9q33.3.
Variant type: single nucleotide variant.
Coding change: c.392C>T on transcript NM_001174147.2 (MANE Select); coding-DNA position 392, C replaced by T.
Protein change: p.Ala131Val; replaces alanine 131 with valine.
Molecular consequence: missense variant.
Genome position (GRCh38, 1-based): chr9:126,690,901, C>T. VCF-style: chr9-126690901-C-T. GRCh37 (hg19) VCF-style: chr9-129453180-C-T.
Other names: p.Ala131Val; c.392C>T (NM_002316.3); c.392C>T, p.Ala131Val (NM_001174146.2, NM_002316.4); short protein forms A131V.
Identifiers: ClinVar variation 1986401 (VCV001986401.8), dbSNP rs373429181, ClinGen allele CA5242307.